The following is an entry in ClinVar:

NM_002528.7(NTHL1):c.377T>C (p.Leu126Pro)

Gene: NTHL1 (nth like DNA glycosylase 1; minus strand). Cytogenetic location: 16p13.3.
Variant type: single nucleotide variant.
Coding change: c.377T>C on transcript NM_002528.7 (MANE Select); coding-DNA position 377, T replaced by C.
Protein change: p.Leu126Pro; replaces leucine 126 with proline.
Molecular consequence: missense variant. On other transcripts: intron variant (1).
Genome position (GRCh38, 1-based): chr16:2,044,778, A>G on the plus strand (T>C on the coding strand, the complement: NTHL1 is on the minus strand). VCF-style: chr16-2044778-A-G. GRCh37 (hg19) VCF-style: chr16-2094779-A-G.
Other names: c.47T>C, p.Leu16Pro (NM_001318194.2); c.355-1052T>C (NM_001318193.2); short protein forms L126P, L16P.
Identifiers: ClinVar variation 1060922 (VCV001060922.11), dbSNP rs1366983655, ClinGen allele CA394294698.

ClinVar aggregate classification (germline): Uncertain significance. Review status: criteria provided, multiple submitters, no conflicts (2 of 4 stars). 3 submissions from 3 submitters: Uncertain significance (3). Last evaluated 2025-10-27.

Conditions:
Hereditary cancer-predisposing syndrome. Also called: Neoplastic Syndromes, Hereditary; Hereditary Cancer Syndrome; Hereditary neoplastic syndrome; Tumor predisposition. Identifiers: Orphanet 140162, MedGen C0027672, MeSH D009386, MONDO:0015356.
Familial adenomatous polyposis 3. Also called: NTHL1-associated polyposis; NTHL1 Tumor Syndrome; NTHL1-related attenuated familial adenomatous polyposis; NTHL1-Related Adenomatous Polyposis and Colorectal Cancer. Identifiers: Orphanet 220460, Orphanet 454840, MedGen C4225157, MONDO:0014630, OMIM 616415.

gnomAD v4.1: 1 of 1,610,226 alleles (0.000062%); highest among the groups gnomAD compares: Non-Finnish European, 0.000085%; no homozygotes.

Submissions (3):

Ambry Genetics
Classification: Uncertain significance for Hereditary cancer-predisposing syndrome. Last evaluated: 2025-10-27. Review status: criteria provided, single submitter. Criteria: Ambry Variant Classification Scheme 2023. Collection method: clinical testing. Allele origin: germline.
Comment: The p.L134P variant (also known as c.401T>C), located in coding exon 3 of the NTHL1 gene, results from a T to C substitution at nucleotide position 401. The leucine at codon 134 is replaced by proline, an amino acid with similar properties. This amino acid position is conserved. In addition, this alteration is predicted to be deleterious by in silico analysis. Since supporting evidence is limited at this time, the clinical significance of this alteration remains unclear.

Labcorp Genetics (formerly Invitae), Labcorp
Classification: Uncertain significance. Last evaluated: 2025-06-16. Review status: criteria provided, single submitter. Criteria: Invitae Variant Classification Sherloc (09022015). Collection method: clinical testing. Allele origin: germline.
Comment: This sequence change replaces leucine, which is neutral and non-polar, with proline, which is neutral and non-polar, at codon 134 of the NTHL1 protein (p.Leu134Pro). This variant is not present in population databases (gnomAD no frequency). This variant has not been reported in the literature in individuals affected with NTHL1-related conditions. ClinVar contains an entry for this variant (Variation ID: 1060922). An algorithm developed to predict the effect of missense changes on protein structure and function (PolyPhen-2) suggests that this variant is likely to be disruptive. In summary, the available evidence is currently insufficient to determine the role of this variant in disease. Therefore, it has been classified as a Variant of Uncertain Significance.

Baylor Genetics
Classification: Uncertain significance for Familial adenomatous polyposis 3. Last evaluated: 2023-11-14. Review status: criteria provided, single submitter. Criteria: ACMG Guidelines, 2015. Collection method: clinical testing. Allele origin: unknown.